The following is an entry in ClinVar:

NM_177438.3(DICER1):c.3658C>A (p.Gln1220Lys)

Gene: DICER1 (dicer 1, ribonuclease III; minus strand). Cytogenetic location: 14q32.13.
Variant type: single nucleotide variant.
Coding change: c.3658C>A on transcript NM_177438.3 (MANE Select); coding-DNA position 3658, C replaced by A.
Protein change: p.Gln1220Lys; replaces glutamine 1220 with lysine.
Molecular consequence: missense variant. On other transcripts: non-coding transcript variant (6).
Genome position (GRCh38, 1-based): chr14:95,103,738, G>T on the plus strand (C>A on the coding strand, the complement: DICER1 is on the minus strand). VCF-style: chr14-95103738-G-T. GRCh37 (hg19) VCF-style: chr14-95570075-G-T.
Other names: c.3253C>A, p.Gln1085Lys (NM_001395696.1, NM_001395687.1, NM_001395688.1 and 2 more transcripts); c.1975C>A, p.Gln659Lys (NM_001395697.1); c.3658C>A, p.Gln1220Lys (NM_030621.4, NM_001195573.1, NM_001271282.3 and 13 more transcripts); c.3376C>A, p.Gln1126Lys (NM_001395686.1); c.3091C>A, p.Gln1031Lys (NM_001395691.1); short protein forms Q1031K, Q659K, Q1085K, Q1220K, Q1126K.
Identifiers: ClinVar variation 2967019 (VCV002967019.4), dbSNP rs886037707, ClinGen allele CA390874495.

ClinVar aggregate classification (germline): Uncertain significance. Review status: criteria provided, multiple submitters, no conflicts (2 of 4 stars). 2 submissions from 2 submitters: Uncertain significance (2). Last evaluated 2025-10-05.

Conditions:
Hereditary cancer-predisposing syndrome. Also called: Tumor predisposition; Hereditary neoplastic syndrome; Neoplastic Syndromes, Hereditary; Hereditary Cancer Syndrome. Identifiers: Orphanet 140162, MedGen C0027672, MeSH D009386, MONDO:0015356.
DICER1-related tumor predisposition. Also called: DICER1 syndrome; DICER1-related pleuropulmonary blastoma cancer predisposition syndrome. Identifiers: Orphanet 284343, MedGen C3839822, MONDO:0100216.

Submissions (2):

Ambry Genetics
Classification: Uncertain significance for Hereditary cancer-predisposing syndrome. Last evaluated: 2025-10-05. Review status: criteria provided, single submitter. Criteria: Ambry Variant Classification Scheme 2023. Collection method: clinical testing. Allele origin: germline.
Comment: The p.Q1220K variant (also known as c.3658C>A), located in coding exon 20 of the DICER1 gene, results from a C to A substitution at nucleotide position 3658. The glutamine at codon 1220 is replaced by lysine, an amino acid with similar properties. This amino acid position is conserved. In addition, the in silico prediction for this alteration is inconclusive. Based on the available evidence, the clinical significance of this variant remains unclear.

Labcorp Genetics (formerly Invitae), Labcorp
Classification: Uncertain significance for DICER1-related tumor predisposition. Last evaluated: 2023-02-14. Review status: criteria provided, single submitter. Criteria: Invitae Variant Classification Sherloc (09022015). Collection method: clinical testing. Allele origin: germline.
Comment: This sequence change replaces glutamine, which is neutral and polar, with lysine, which is basic and polar, at codon 1220 of the DICER1 protein (p.Gln1220Lys). This variant is not present in population databases (gnomAD no frequency). This variant has not been reported in the literature in individuals affected with DICER1-related conditions. Advanced modeling of protein sequence and biophysical properties (such as structural, functional, and spatial information, amino acid conservation, physicochemical variation, residue mobility, and thermodynamic stability) performed at Invitae indicates that this missense variant is not expected to disrupt DICER1 protein function. In summary, the available evidence is currently insufficient to determine the role of this variant in disease. Therefore, it has been classified as a Variant of Uncertain Significance.